The following is an entry in ClinVar:

ClinVar aggregate classification (germline): Conflicting classifications of pathogenicity. Review status: criteria provided, conflicting classifications (1 of 4 stars). 7 submissions from 7 submitters: Likely pathogenic (2); Uncertain significance (4); Benign (1). Last evaluated 2026-07-29.

Conditions:
Retinitis pigmentosa 25 (RP25). Identifiers: Orphanet 791, MedGen C1864446, MONDO:0011272, OMIM 602772.
Retinal dystrophy. Also called: Inherited retinal dystrophy. Identifiers: Orphanet 71862, MedGen C0854723, MeSH D058499, MONDO:0019118, HP:0000556.
EYS-related disorder. Also called: EYS-related condition.

Allele frequency attached by ClinVar (database versions not stated): gnomAD 0.00003 and 0.00013; TOPMed 0.00004; ExAC 0.00005; gnomAD exomes 0.00013 and 0.00039; 1000 Genomes Project 30x 0.00047; 1000 Genomes Project 0.00060.
gnomAD v4.1: 550 of 1,551,384 alleles (0.035%); highest among the groups gnomAD compares: East Asian, 1.3%; 7 homozygotes.

Submissions (7):

PreventionGenetics, part of Exact Sciences
Classification: Uncertain significance for EYS-related condition. Last evaluated: 2026-07-29. Review status: criteria provided, single submitter. Criteria: ACMG Guidelines, 2015. Collection method: clinical testing. Allele origin: germline.
Comment: The EYS c.7394C>G variant is predicted to result in the amino acid substitution p.Thr2465Ser. This variant has been reported in cohort studies of retinal disease (Table S4, Kim et al. 2021. PubMed ID: 33946315; Table S4, Panneman et al. 2023. PubMed ID: 36819107). However, this variant is reported in 0.16% of alleles in individuals of East Asian descent in gnomAD, including multiple homozygotes in the latest dataset v4.1.0. At this time, the clinical significance of this variant is uncertain due to the conflicting evidence.

Natera, Inc.
Classification: Likely pathogenic for Retinitis pigmentosa type 25. Last evaluated: 2025-11-24. Review status: criteria provided, single submitter. Criteria: Natera Variant Classification Schema (03/2026). Collection method: clinical testing. Allele origin: germline.
Comment: The c.7394C>G variant in EYS is a missense variant predicted to cause substitution of threonine to serine at amino acid 2465. This variant is rare in the general population with a frequency below the threshold expected for the associated phenotype(s). This variant has been observed in one or more individuals affected with the associated recessive disease, as either homozygous or compound heterozygous with a second variant (PMID: 36819107, 32218477, 39607159). Computational prediction algorithms indicate this variant is likely to affect gene or protein function. Given the available evidence, this variant is classified as Likely Pathogenic.

Myriad Genetics, Inc.
Classification: Likely pathogenic for Retinitis pigmentosa 25. Last evaluated: 2025-02-20. Review status: criteria provided, single submitter. Criteria: Myriad Autosomal Dominant, Autosomal Recessive and X-Linked Classification Criteria (2023). Collection method: clinical testing. Allele origin: unknown.
Comment: NM_001142800.1(EYS):c.7394C>G(T2465S) is a missense variant classified as likely pathogenic in the context of retinitis pigmentosa, EYS-related. T2465S has been observed in cases with relevant disease (PMID: 36819107, 34721897, 32218477, 33946315, 26155838, Abstract_Ivanova_2020, 31814702). Relevant functional assessments of this variant are not available in the literature. T2465S has been observed in referenced population frequency databases. In summary, NM_001142800.1(EYS):c.7394C>G(T2465S) is a missense variant that has been observed more frequently in cases with the relevant disease than in healthy populations. Please note: this variant was assessed in the context of healthy population screening.

Blueprint Genetics
Classification: Uncertain significance. Last evaluated: 2024-11-15. Review status: criteria provided, single submitter. Criteria: ACMG Guidelines, 2015. Collection method: clinical testing. Allele origin: germline.

3billion
Classification: Uncertain significance for Retinitis pigmentosa 25. Last evaluated: 2024-08-12. Review status: criteria provided, single submitter. Criteria: ACMG Guidelines, 2015. Collection method: clinical testing. Allele origin: germline. Affected: yes.
Comment: The variant is observed at an extremely low frequency in the gnomAD v4.0.0 dataset (total allele frequency: 0.035%). Predicted Consequence/Location: The majority of the known disease-causing variants of this gene are variants expected to result in premature termination of the protein. In silico tools predict the variant to alter splicing and produce an abnormal transcript [SpliceAI: 0.24 (>=0.2, moderate evidence for spliceogenicity)]. The variant has been reported to be in trans with a pathogenic variant as either compound heterozygous or homozygous in at least one similarly affected unrelated individual (PMID: 32218477). The variant has been reported as benign without evidence for the classification (ClinVar ID: VCV000632068). Therefore, this variant is classified as VUS according to the recommendation of ACMG/AMP guideline.

Dept Of Ophthalmology, Nagoya University
Classification: Benign for Retinal dystrophy. Last evaluated: 2023-10-01. Review status: criteria provided, single submitter. Criteria: Submitter's publication. Collection method: research. Allele origin: germline. Affected: yes.

Labcorp Genetics (formerly Invitae), Labcorp
Classification: Uncertain significance. Last evaluated: 2022-09-27. Review status: criteria provided, single submitter. Criteria: Invitae Variant Classification Sherloc (09022015). Collection method: clinical testing. Allele origin: germline.
Comment: This sequence change replaces threonine, which is neutral and polar, with serine, which is neutral and polar, at codon 2465 of the EYS protein (p.Thr2465Ser). This variant is present in population databases (rs145184183, gnomAD 0.1%). This missense change has been observed in individual(s) with retinitis pigmentosa (PMID: 26155838). In at least one individual the data is consistent with being in trans (on the opposite chromosome) from a pathogenic variant. ClinVar contains an entry for this variant (Variation ID: 632068). Algorithms developed to predict the effect of missense changes on protein structure and function (SIFT, PolyPhen-2, Align-GVGD) all suggest that this variant is likely to be tolerated. Algorithms developed to predict the effect of sequence changes on RNA splicing suggest that this variant may disrupt the consensus splice site. In summary, the available evidence is currently insufficient to determine the role of this variant in disease. Therefore, it has been classified as a Variant of Uncertain Significance.

Literature cited by the submitters: PubMed 36819107 (cited by Natera, Inc.); PubMed 32218477 (cited by Natera, Inc. and 3billion); PubMed 39607159 (cited by Natera, Inc.); PubMed 26155838 (cited by Labcorp Genetics (formerly Invitae), Labcorp).

NM_001142800.2(EYS):c.7394C>G (p.Thr2465Ser)

Gene: EYS (EGF-like photoreceptor maintenance factor; minus strand). Cytogenetic location: 6q12.
Variant type: single nucleotide variant.
Coding change: c.7394C>G on transcript NM_001142800.2 (MANE Select); coding-DNA position 7394, C replaced by G.
Protein change: p.Thr2465Ser; replaces threonine 2465 with serine.
Molecular consequence: missense variant.
Genome position (GRCh38, 1-based): chr6:63,806,207, G>C on the plus strand (C>G on the coding strand, the complement: EYS is on the minus strand). VCF-style: chr6-63806207-G-C. GRCh37 (hg19) VCF-style: chr6-64516100-G-C.
Other names: c.7394C>G, p.Thr2465Ser (NM_001292009.2); short protein forms T2465S.
Identifiers: ClinVar variation 632068 (VCV000632068.17), dbSNP rs145184183, ClinGen allele CA3876819.